The following is an entry in ClinVar:

NM_001211.6(BUB1B):c.1150A>G (p.Ser384Gly)

Gene: BUB1B (BUB1 mitotic checkpoint serine/threonine kinase B; plus strand). Cytogenetic location: 15q15.1.
Variant type: single nucleotide variant.
Coding change: c.1150A>G on transcript NM_001211.6 (MANE Select); coding-DNA position 1150, A replaced by G.
Protein change: p.Ser384Gly; replaces serine 384 with glycine.
Molecular consequence: missense variant.
Genome position (GRCh38, 1-based): chr15:40,196,636, A>G. VCF-style: chr15-40196636-A-G. GRCh37 (hg19) VCF-style: chr15-40488837-A-G.
Other names: short protein forms S384G.
Identifiers: ClinVar variation 999351 (VCV000999351.13), dbSNP rs202114756, ClinGen allele CA7475667.

ClinVar aggregate classification (germline): Uncertain significance. Review status: criteria provided, multiple submitters, no conflicts (2 of 4 stars). 5 submissions from 5 submitters: Uncertain significance (5). Last evaluated 2025-06-20.

Conditions:
Mosaic variegated aneuploidy syndrome 1 (MVA1). Also called: Warburton-Anyane-Yeboa syndrome. Identifiers: Orphanet 1052, MedGen C1850343, MONDO:0009759, OMIM 257300.
Premature chromatid separation trait (PCS). Also called: TOTAL PREMATURE CHROMATID SEPARATION TRAIT. Identifiers: MedGen C1864389, MONDO:0008304, OMIM 176430.
Colorectal cancer. Also called: Colorectal cancer, somatic; Malignant Colorectal Neoplasm. Identifiers: MedGen C0346629, MONDO:0005575, OMIM 114500.
Inborn genetic diseases. Identifiers: MedGen C0950123, MeSH D030342.

Allele frequency attached by ClinVar (database versions not stated): ExAC 0.00002; gnomAD exomes 0.00003; gnomAD 0.00004 and 0.00005; TOPMed 0.00005; ESP Exome Variant Server 0.00015; 1000 Genomes Project 30x 0.00016; 1000 Genomes Project 0.00020.

Submissions (5):

Labcorp Genetics (formerly Invitae), Labcorp
Classification: Uncertain significance for Mosaic variegated aneuploidy syndrome 1. Last evaluated: 2025-06-20. Review status: criteria provided, single submitter. Criteria: Invitae Variant Classification Sherloc (09022015). Collection method: clinical testing. Allele origin: germline.
Comment: This sequence change replaces serine, which is neutral and polar, with glycine, which is neutral and non-polar, at codon 384 of the BUB1B protein (p.Ser384Gly). This variant is present in population databases (rs202114756, gnomAD 0.006%). This variant has not been reported in the literature in individuals affected with BUB1B-related conditions. ClinVar contains an entry for this variant (Variation ID: 999351). An algorithm developed to predict the effect of missense changes on protein structure and function (PolyPhen-2) suggests that this variant is likely to be tolerated. In summary, the available evidence is currently insufficient to determine the role of this variant in disease. Therefore, it has been classified as a Variant of Uncertain Significance.

St. Jude Molecular Pathology, St. Jude Children's Research Hospital
Classification: Uncertain significance for Mosaic variegated aneuploidy syndrome 1. Last evaluated: 2025-01-29. Review status: criteria provided, single submitter. Criteria: St. Jude Assertion Criteria 2020. Collection method: clinical testing. Allele origin: germline.
Comment: The BUB1B c.1150A>G (p.Ser384Gly) missense change has a maximum subpopulation frequency of 0.0061% in gnomAD v2.1.1. The in silico tool REVEL predicts a benign effect on protein function, but this prediction has not been confirmed by functional studies. This variant has not been reported in individuals with mosaic variegated aneuploidy syndrome. In summary, the evidence currently available is insufficient to determine the role of this variant in mosaic variegated aneuploidy syndrome. It has therefore been classified as of uncertain significance.

Fulgent Genetics
Classification: Uncertain significance for Colorectal cancer; Premature chromatid separation trait; Mosaic variegated aneuploidy syndrome 1. Last evaluated: 2024-03-28. Review status: criteria provided, single submitter. Criteria: ACMG Guidelines, 2015. Collection method: clinical testing. Allele origin: germline.

Ambry Genetics
Classification: Uncertain significance for Inborn genetic diseases. Last evaluated: 2024-01-17. Review status: criteria provided, single submitter. Criteria: Ambry Variant Classification Scheme 2023. Collection method: clinical testing. Allele origin: germline.

GeneDx
Classification: Uncertain significance. Last evaluated: 2019-04-11. Review status: criteria provided, single submitter. Criteria: GeneDx Variant Classification Process June 2021. Collection method: clinical testing. Allele origin: germline. Affected: yes.
Comment: In silico analysis supports that this missense variant does not alter protein structure/function; Has not been previously published as pathogenic or benign to our knowledge; This variant is associated with the following publications: (PMID: 27331020)